The following is an entry in ClinVar:

ClinVar aggregate classification (germline): Uncertain significance. Review status: criteria provided, multiple submitters, no conflicts (2 of 4 stars). 4 submissions from 4 submitters: Uncertain significance (3). 1 of the submissions does not count toward it. Last evaluated 2025-11-05.

Conditions:
RASopathy. Also called: Noonan spectrum disorder; rasopathies. Identifiers: Orphanet 536391, MedGen C5555857, MONDO:0021060.
Fibromatosis, gingival, 1 (GINGF1). Identifiers: Orphanet 2024, MedGen C4551558, MONDO:0007609, OMIM 135300.
Noonan syndrome 4 (NS4). Also called: SOS1-Related Noonan Syndrome; NOONAN SYNDROME WITH PIGMENTED VILLONODULAR SYNOVITIS. Identifiers: Orphanet 648, MedGen C1853120, MONDO:0012547, OMIM 610733.
Noonan syndrome (NS). Also called: Noonan's syndrome. Identifiers: Orphanet 648, MedGen C0028326, MeSH D009634, MONDO:0018997. Disease mechanism: gain of function.

Allele frequency attached by ClinVar (database versions not stated): gnomAD exomes below 0.00001; TOPMed below 0.00001; gnomAD 0.00001.
gnomAD v4.1: 4 of 1,613,936 alleles (0.00025%); highest among the groups gnomAD compares: Non-Finnish European, 0.00034%; no homozygotes.

Submissions (4):

Labcorp Genetics (formerly Invitae), Labcorp
Classification: Uncertain significance for RASopathy. Last evaluated: 2025-11-05. Review status: criteria provided, single submitter. Criteria: Invitae Variant Classification Sherloc (09022015). Collection method: clinical testing. Allele origin: germline.
Comment: This sequence change replaces serine, which is neutral and polar, with threonine, which is neutral and polar, at codon 1066 of the SOS1 protein (p.Ser1066Thr). This variant is not present in population databases (gnomAD no frequency). This variant has not been reported in the literature in individuals affected with SOS1-related conditions. ClinVar contains an entry for this variant (Variation ID: 561724). Invitae Evidence Modeling of protein sequence and biophysical properties (such as structural, functional, and spatial information, amino acid conservation, physicochemical variation, residue mobility, and thermodynamic stability) indicates that this missense variant is not expected to disrupt SOS1 protein function with a negative predictive value of 95%. In summary, the available evidence is currently insufficient to determine the role of this variant in disease. Therefore, it has been classified as a Variant of Uncertain Significance.

Fulgent Genetics
Classification: Uncertain significance for Fibromatosis, gingival, 1; Noonan syndrome 4. Last evaluated: 2021-07-26. Review status: criteria provided, single submitter. Criteria: ACMG Guidelines, 2015. Collection method: clinical testing. Allele origin: unknown.

GeneDx
Classification: Uncertain significance. Last evaluated: 2018-01-30. Review status: criteria provided, single submitter. Criteria: GeneDx Variant Classification (06012015). Collection method: clinical testing. Allele origin: germline. Affected: yes.
Comment: The S1066T variant has not been published as pathogenic or been reported as benign to our knowledge. The S1066T variant is not observed in large population cohorts (Lek et al., 2016). The S1066T variant is a conservative amino acid substitution, which is not likely to impact secondary protein structure as these residues share similar properties. Additionally, in-silico analyses, including protein predictors and evolutionary conservation, support that this variant does not alter protein structure/function. Nevertheless, although no nearby missense variants have been reported in the Human Gene Mutation Database, the SOS1 gene has a low rate of benign missense variation, and missense variants are a common mechanism of disease for this gene (Stenson et al., 2014). Therefore, based on the currently available information, it is unclear whether this variant is pathogenic or rare benign.

Service de Génétique Moléculaire, Hôpital Robert Debré
Classification: Uncertain significance for Noonan syndrome. Review status: no assertion criteria provided. Collection method: clinical testing. Allele origin: unknown. Affected: yes. Not counted in ClinVar's aggregate classification.

NM_005633.4(SOS1):c.3197G>C (p.Ser1066Thr)

Gene: SOS1 (SOS Ras/Rac guanine nucleotide exchange factor 1; minus strand). Cytogenetic location: 2p22.1.
Variant type: single nucleotide variant.
Coding change: c.3197G>C on transcript NM_005633.4 (MANE Select); coding-DNA position 3197, G replaced by C.
Protein change: p.Ser1066Thr; replaces serine 1066 with threonine.
Molecular consequence: missense variant.
Genome position (GRCh38, 1-based): chr2:38,995,272, C>G on the plus strand (G>C on the coding strand, the complement: SOS1 is on the minus strand). VCF-style: chr2-38995272-C-G. GRCh37 (hg19) VCF-style: chr2-39222413-C-G.
Other names: c.3176G>C, p.Ser1059Thr (NM_001382394.1); c.3197G>C, p.Ser1066Thr (NM_001382395.1); short protein forms S1066T, S1059T.
Identifiers: ClinVar variation 561724 (VCV000561724.6), dbSNP rs1428068201, ClinGen allele CA346360905.
Genomic context (GRCh38, chr2:38,995,272, plus strand): 5'-GGTGTTCTTGGAGAATTTGGTGCAGATGCTGTACTTTCTGTTTCACTTTCAGGGATCCTA[C>G]TATAACTAATTTTCCTTGGCTCCTGCTGCAGAGGTGTGGGATGCCTCATGGTACCTGGTC-3'
Protein context (NP_005624.2, residues 1056-1076): LQQEPRKISY[Ser1066Thr]RIPESETEST